The following is an entry in ClinVar:

NM_022039.4(FBXW4):c.485AGG[8] (p.Glu168dup)

Genes: FBXW4 (F-box and WD repeat domain containing 4; minus strand), LOC130004563 (ATAC-STARR-seq lymphoblastoid silent region 2723; plus strand). Cytogenetic location: 10q24.32.
Variant type: Microsatellite.
Coding change: c.485AGG[8] on transcript NM_022039.4 (MANE Select); eight copies in a row of the 3-base unit AGG starting at c.485; the reference has seven copies in a row; one copy, 3 bases duplicated.
Protein change: p.Glu168dup; duplicates glutamic acid 168.
Molecular consequence: inframe insertion. On other transcripts: non-coding transcript variant (1), intron variant (1).
Genome position (GRCh38, 1-based): chr10:101,694,601-101,694,603, CCT duplicated on the plus strand (AGG on the coding strand, the reverse complement: FBXW4 is on the minus strand); duplicating any 3 consecutive bases within chr10:101,694,601-101,694,623 gives the same sequence; the position shown is the placement nearest the transcript's 3' end. VCF-style (leftmost placement, unchanged base first): chr10-101694600-G-GCCT. GRCh37 (hg19) VCF-style: chr10-103454357-G-GCCT.
Other names: c.-2+619AGG[8] (NM_001323541.2).
Identifiers: ClinVar variation 593538 (VCV000593538.10), dbSNP rs560966094, ClinGen allele CA5657490.
Genomic context (GRCh38, chr10:101,694,600, plus strand): 5'-TCCTCCGGCAGGCGCCAGAGCGCAGGCCCCGCGGCCGGGCGGGCAGCCGACTCCCGAGCC[G>GCCT]CCTCCTCCTCCTCCTCCTCCTCCCCGGCCGCCGCCGCCATGGCCACCCCTGTCCCCGCGA-3'

ClinVar aggregate classification (germline): Conflicting classifications of pathogenicity. Review status: criteria provided, conflicting classifications (1 of 4 stars). 3 submissions from 3 submitters: Uncertain significance (1); Likely benign (2). Last evaluated 2025-10-24.

Submissions (3):

Labcorp Genetics (formerly Invitae), Labcorp
Classification: Uncertain significance. Last evaluated: 2025-10-24. Review status: criteria provided, single submitter. Criteria: Invitae Variant Classification Sherloc (09022015). Collection method: clinical testing. Allele origin: germline.
Comment: This variant, c.38_40dup, results in the insertion of 1 amino acid(s) of the FBXW4 protein (p.Glu13dup), but otherwise preserves the integrity of the reading frame. This variant is present in population databases (rs560966094, gnomAD 1.3%). This variant has not been reported in the literature in individuals affected with FBXW4-related conditions. Experimental studies and prediction algorithms are not available or were not evaluated, and the functional significance of this variant is currently unknown. In summary, the available evidence is currently insufficient to determine the role of this variant in disease. Therefore, it has been classified as a Variant of Uncertain Significance.

Blueprint Genetics
Classification: Likely benign. Last evaluated: 2024-11-06. Review status: criteria provided, single submitter. Criteria: ACMG Guidelines, 2015. Collection method: clinical testing. Allele origin: germline.

Eurofins Ntd Llc (ga)
Classification: Likely benign. Last evaluated: 2017-08-24. Review status: criteria provided, single submitter. Criteria: EGL Classification Definitions 2015. Collection method: clinical testing. Allele origin: germline. Observed: 1 variant allele, 1 heterozygote.